The following is an entry in ClinVar:

ClinVar aggregate classification (germline): Uncertain significance (1 of 4 stars; one submission).

Conditions:
Neurodevelopmental disorder with language delay and behavioral abnormalities, with or without seizures (NEDLBAS). Identifiers: MedGen C5830365, MONDO:0859531, OMIM 620292.

Submission:

Institute of Human Genetics, University of Leipzig Medical Center
Classification: Uncertain significance for Neurodevelopmental disorder with language delay and behavioral abnormalities, with or without seizures. Last evaluated: 2026-02-26. Review status: criteria provided, single submitter. Criteria: ACMG Guidelines, 2015. Collection method: clinical testing. Allele origin: unknown. Inheritance: Autosomal dominant inheritance. Affected: yes.
Comment: Criteria applied: PM2,PP3

NM_012199.5(AGO1):c.872+3_872+6del

Genes: AGO1 (argonaute RISC component 1; plus strand), LOC126805695 (MED14-independent group 3 enhancer GRCh37_chr1:36359789-36360988; plus strand). Cytogenetic location: 1p34.3.
Variant type: Deletion.
Coding change: c.872+3_872+6del on transcript NM_012199.5 (MANE Select); bases 3 to 6 of the intron after coding-DNA position 872, 4 bases deleted (AAGT; older notation c.872+3_872+6delAAGT).
Molecular consequence: splice donor variant.
Genome position (GRCh38, 1-based): chr1:35,894,405-35,894,408, AAGT deleted; deleting any 4 consecutive bases within chr1:35,894,403-35,894,408 gives the same sequence; the c. name uses the placement nearest the transcript's 3' end. VCF-style (leftmost placement, unchanged base first): chr1-35894402-CGTAA-C. GRCh37 (hg19) VCF-style: chr1-36360003-CGTAA-C.
Other names: c.647+3_647+6del (NM_001317123.2); c.872+3_872+6del (NM_001317122.2).
Identifiers: ClinVar variation 4819137 (VCV004819137.1).
Genomic context (GRCh38, chr1:35,894,402, plus strand): 5'-GACAGATGAAGAGGAAGTACCGCGTGTGTAATGTTACCCGTCGCCCTGCTAGCCATCAGA[CGTAA>C]GTTGGCAGGGGTGCTGAGTCATACTTTGTTGGTGGAGAAGGGCTGAGATTTAAAACTATC-3'